The following is an entry in ClinVar:

ClinVar aggregate classification (germline): Likely benign (1 of 4 stars; one submission).

Conditions:
Familial hypercholesterolemia. Also called: Familial hypercholesterolemias; Familial hypercholesterolaemia. Identifiers: MedGen C0020445, MONDO:0005439.

Submission:

GENinCode PLC
Classification: Likely benign for Familial hypercholesterolemia. Last evaluated: 2026-04-28. Review status: criteria provided, single submitter. Criteria: ACMG Guidelines, 2015. Collection method: clinical testing. Allele origin: germline.
Comment: This is a synonymous (silent) variant that is not predicted to impact splicing and occurs at a nucleotide which is not highly conserved. This variant has been classified as Likely Benign (BP4, BP7).

NM_000384.3(APOB):c.11619T>A (p.Ala3873=)

Gene: APOB (apolipoprotein B; minus strand). Cytogenetic location: 2p24.1.
Variant type: single nucleotide variant.
Coding change: c.11619T>A on transcript NM_000384.3 (MANE Select); coding-DNA position 11619, T replaced by A.
Protein change: p.Ala3873=; no amino-acid change (alanine 3873 retained).
Molecular consequence: synonymous variant.
Genome position (GRCh38, 1-based): chr2:21,005,249, A>T on the plus strand (T>A on the coding strand, the complement: APOB is on the minus strand). VCF-style: chr2-21005249-A-T. GRCh37 (hg19) VCF-style: chr2-21228121-A-T.
Identifiers: ClinVar variation 4888242 (VCV004888242.1).